The following is an entry in ClinVar:

ClinVar aggregate classification (germline): Uncertain significance (1 of 4 stars; one submission).

Conditions:
Hereditary cancer-predisposing syndrome. Also called: Neoplastic Syndromes, Hereditary; Tumor predisposition; Hereditary neoplastic syndrome; Hereditary Cancer Syndrome. Identifiers: Orphanet 140162, MedGen C0027672, MeSH D009386, MONDO:0015356.

gnomAD v4.1: 1 of 1,613,814 alleles (0.000062%); highest among the groups gnomAD compares: African/African-American, 0.0013%; no homozygotes.

Submission:

Ambry Genetics
Classification: Uncertain significance for Hereditary cancer-predisposing syndrome. Last evaluated: 2024-06-19. Review status: criteria provided, single submitter. Criteria: Ambry Variant Classification Scheme 2023. Collection method: clinical testing. Allele origin: germline.
Comment: The p.A55V variant (also known as c.164C>T), located in coding exon 2 of the RET gene, results from a C to T substitution at nucleotide position 164. The alanine at codon 55 is replaced by valine, an amino acid with similar properties. This amino acid position is well conserved in available vertebrate species. In addition, the in silico prediction for this alteration is inconclusive. Based on the available evidence, the clinical significance of this variant remains unclear.

NM_020975.6(RET):c.164C>T (p.Ala55Val)

Gene: RET (ret proto-oncogene; plus strand). Cytogenetic location: 10q11.21.
Variant type: single nucleotide variant.
Coding change: c.164C>T on transcript NM_020975.6 (MANE Select); coding-DNA position 164, C replaced by T.
Protein change: p.Ala55Val; replaces alanine 55 with valine.
Molecular consequence: missense variant. On other transcripts: intron variant (4).
Genome position (GRCh38, 1-based): chr10:43,100,549, C>T. VCF-style: chr10-43100549-C-T. GRCh37 (hg19) VCF-style: chr10-43595997-C-T.
Other names: c.164C>T, p.Ala55Val (NM_001406743.1, NM_001406744.1, NM_001406759.1 and 32 more transcripts); c.74-8482C>T (NM_001406784.1); c.74-11550C>T (NM_001406794.1, NM_001406792.1, NM_001406793.1); short protein forms A55V.
Identifiers: ClinVar variation 3313707 (VCV003313707.1).